The following is an entry in ClinVar:

NM_000038.6(APC):c.2167G>A (p.Ala723Thr)

Gene: APC (APC regulator of Wnt signaling pathway; plus strand). Cytogenetic location: 5q22.2.
Variant type: single nucleotide variant.
Coding change: c.2167G>A on transcript NM_000038.6 (MANE Select); coding-DNA position 2167, G replaced by A.
Protein change: p.Ala723Thr; replaces alanine 723 with threonine.
Molecular consequence: missense variant. On other transcripts: non-coding transcript variant (2).
Genome position (GRCh38, 1-based): chr5:112,837,761, G>A. VCF-style: chr5-112837761-G-A. GRCh37 (hg19) VCF-style: chr5-112173458-G-A.
Other names: c.2167G>A, p.Ala723Thr (NM_001127510.3, NM_001354895.2, NM_001407450.1); c.2113G>A, p.Ala705Thr (NM_001127511.3); c.2221G>A, p.Ala741Thr (NM_001354896.2, NM_001407447.1, NM_001407448.1 and 1 more transcripts); c.2197G>A, p.Ala733Thr (NM_001354897.2); c.2092G>A, p.Ala698Thr (NM_001354898.2); c.2083G>A, p.Ala695Thr (NM_001354899.2); c.2044G>A, p.Ala682Thr (NM_001354900.2); c.1990G>A, p.Ala664Thr (NM_001354901.2, NM_001407453.1); and 11 more; short protein forms A713T, A723T, A751T, A632T, A664T, A682T, A716T, A733T.
Identifiers: ClinVar variation 3635419 (VCV003635419.2).

ClinVar aggregate classification (germline): Uncertain significance (1 of 4 stars; one submission).

Conditions:
Familial adenomatous polyposis 1 (FAP1). Also called: FAMILIAL ADENOMATOUS POLYPOSIS 1, ATTENUATED; POLYPOSIS, ADENOMATOUS INTESTINAL. Identifiers: MedGen C2713442, MONDO:0021056, OMIM 175100. Disease mechanism: loss of function.

Submission:

Labcorp Genetics (formerly Invitae), Labcorp
Classification: Uncertain significance for Familial adenomatous polyposis 1. Last evaluated: 2024-03-27. Review status: criteria provided, single submitter. Criteria: Invitae Variant Classification Sherloc (09022015). Collection method: clinical testing. Allele origin: germline.
Comment: This sequence change replaces alanine, which is neutral and non-polar, with threonine, which is neutral and polar, at codon 723 of the APC protein (p.Ala723Thr). This variant is not present in population databases (gnomAD no frequency). This variant has not been reported in the literature in individuals affected with APC-related conditions. Advanced modeling of protein sequence and biophysical properties (such as structural, functional, and spatial information, amino acid conservation, physicochemical variation, residue mobility, and thermodynamic stability) performed at Invitae indicates that this missense variant is not expected to disrupt APC protein function with a negative predictive value of 95%. In summary, the available evidence is currently insufficient to determine the role of this variant in disease. Therefore, it has been classified as a Variant of Uncertain Significance.